The following is an entry in ClinVar:

ClinVar aggregate classification (germline): Benign. Review status: criteria provided, multiple submitters, no conflicts (2 of 4 stars). 2 submissions from 2 submitters: Benign (2). Last evaluated 2018-01-13.

Conditions:
Autosomal dominant optic atrophy classic form (OPA1). Also called: KJER-TYPE OPTIC ATROPHY; OPTIC ATROPHY, JUVENILE; Optic Atrophy Type 1. Identifiers: Orphanet 98673, MedGen C0338508, MONDO:0008134, OMIM 165500.

Allele frequency attached by ClinVar (database versions not stated): gnomAD 0.06796 and 0.06966; 1000 Genomes Project 30x 0.03748; 1000 Genomes Project 0.03774; TOPMed 0.06207.

Submissions (2):

Illumina Laboratory Services, Illumina
Classification: Benign for Autosomal dominant optic atrophy classic form. Last evaluated: 2018-01-13. Review status: criteria provided, single submitter. Criteria: ICSL Variant Classification Criteria 13 December 2019. Collection method: clinical testing. Allele origin: germline.
Comment: This variant was observed in the ICSL laboratory as part of a predisposition screen in an ostensibly healthy population. It had not been previously curated by ICSL or reported in the Human Gene Mutation Database (HGMD: prior to June 1st, 2018), and was therefore a candidate for classification through an automated scoring system. Utilizing variant allele frequency, disease prevalence and penetrance estimates, and inheritance mode, an automated score was calculated to assess if this variant is too frequent to cause the disease. Based on the score and internal cut-off values, a variant classified as benign is not then subjected to further curation. The score for this variant resulted in a classification of benign for this disease.

Breakthrough Genomics
Classification: Benign. Review status: criteria provided, single submitter. Criteria: ACMG Guidelines, 2015. Collection method: not provided. Allele origin: germline. Inheritance: Autosomal recessive inheritance. Affected: yes.

NM_130837.3(OPA1):c.*3027A>G

Gene: OPA1 (OPA1 mitochondrial dynamin like GTPase; plus strand). Cytogenetic location: 3q29.
Variant type: single nucleotide variant.
Coding change: c.*3027A>G on transcript NM_130837.3 (MANE Select); 3027 bases downstream of the stop codon, A replaced by G.
Molecular consequence: 3 prime UTR variant.
Genome position (GRCh38, 1-based): chr3:193,697,627, A>G. VCF-style: chr3-193697627-A-G. GRCh37 (hg19) VCF-style: chr3-193415416-A-G.
Other names: c.*3027A>G (NM_001354663.2, NM_001354664.2, NM_015560.3 and 6 more transcripts).
Identifiers: ClinVar variation 344522 (VCV000344522.6), dbSNP rs56329083, ClinGen allele CA10615479.
Genomic context (GRCh38, chr3:193,697,627, plus strand): 5'-TCTGTTTTAACGAGGGAAAGAGAAACCTGTATACCTAGGGTCATTATTTGACCCCATAGT[A>G]TAACCAGATTCATGGTCTAACAAGCTCTCAGTGTGGCTTTTCTCTGAATGCTTGAATTTC-3'